The following is an entry in ClinVar:

ClinVar aggregate classification (germline): Likely benign (1 of 4 stars; one submission).

Submission:

GeneDx
Classification: Likely benign. Last evaluated: 2018-02-08. Review status: criteria provided, single submitter. Criteria: GeneDx Variant Classification (06012015). Collection method: clinical testing. Allele origin: germline. Affected: yes.
Comment: This variant is considered likely benign or benign based on one or more of the following criteria: it is a conservative change, it occurs at a poorly conserved position in the protein, it is predicted to be benign by multiple in silico algorithms, and/or has population frequency not consistent with disease.

NM_001849.4(COL6A2):c.1817-8C>G

Gene: COL6A2 (collagen type VI alpha 2 chain; plus strand). Cytogenetic location: 21q22.3.
Variant type: single nucleotide variant.
Coding change: c.1817-8C>G on transcript NM_001849.4 (MANE Select); 8 bases into the intron before coding-DNA position 1817, C replaced by G.
Molecular consequence: intron variant.
Genome position (GRCh38, 1-based): chr21:46,125,457, C>G. VCF-style: chr21-46125457-C-G. GRCh37 (hg19) VCF-style: chr21-47545371-C-G.
Other names: c.1817-8C>G (NM_058175.3, NM_058174.3).
Identifiers: ClinVar variation 515218 (VCV000515218.1), dbSNP rs750444649, ClinGen allele CA658799480.
Genomic context (GRCh38, chr21:46,125,457, plus strand): 5'-GCATGTGCACGTGACCCTAGGGTCTGAGGTCTCCCCGGTACCCCCCGATGACCCTGCCAC[C>G]CCCCCAGACTGTGAGAAGCGCTGTGGCGCCCTGGACGTGGTCTTCGTCATCGACAGCTCC-3'